The following is an entry in ClinVar:

NM_173728.4(ARHGEF15):c.568A>C (p.Thr190Pro)

Gene: ARHGEF15 (Rho guanine nucleotide exchange factor 15; plus strand). Cytogenetic location: 17p13.1.
Variant type: single nucleotide variant.
Coding change: c.568A>C on transcript NM_173728.4 (MANE Select); coding-DNA position 568, A replaced by C.
Protein change: p.Thr190Pro; replaces threonine 190 with proline.
Molecular consequence: missense variant.
Genome position (GRCh38, 1-based): chr17:8,312,607, A>C. VCF-style: chr17-8312607-A-C. GRCh37 (hg19) VCF-style: chr17-8215925-A-C.
Other names: c.568A>C, p.Thr190Pro (NM_025014.2); short protein forms T190P.
Identifiers: ClinVar variation 3604032 (VCV003604032.2).
Genomic context (GRCh38, chr17:8,312,607, plus strand): 5'-GCCCCGGAGCCAGGTCTCCAAGCGAGAGCAGATGTGAATGGGGAGAGAGAAGCTCCCCTC[A>C]CCGGGAGTGGGTCCCAGGAGAACGGTGCTCCAGGTGAGTGTGGCGGGTGGGGGGCGCTGG-3'
Protein context (NP_776089.2, residues 180-200): DVNGEREAPL[Thr190Pro]GSGSQENGAP

ClinVar aggregate classification (germline): Uncertain significance (1 of 4 stars; one submission).

Conditions:
Early-infantile DEE. Also called: Early infantile epileptic encephalopathy; Ohtahara syndrome; Early infantile epileptic encephalopathy with suppression bursts. Identifiers: Orphanet 1934, MedGen C0393706, MONDO:0800491.

Submission:

Labcorp Genetics (formerly Invitae), Labcorp
Classification: Uncertain significance for Early-infantile DEE. Last evaluated: 2024-07-27. Review status: criteria provided, single submitter. Criteria: Invitae Variant Classification Sherloc (09022015). Collection method: clinical testing. Allele origin: germline.
Comment: This sequence change replaces threonine, which is neutral and polar, with proline, which is neutral and non-polar, at codon 190 of the ARHGEF15 protein (p.Thr190Pro). This variant is not present in population databases (gnomAD no frequency). This variant has not been reported in the literature in individuals affected with ARHGEF15-related conditions. An algorithm developed to predict the effect of missense changes on protein structure and function outputs the following: PolyPhen-2: "Benign". The proline amino acid residue is found in multiple mammalian species, which suggests that this missense change does not adversely affect protein function. In summary, the available evidence is currently insufficient to determine the role of this variant in disease. Therefore, it has been classified as a Variant of Uncertain Significance.